The following is an entry in ClinVar:

GRCh37/hg19 15q11.2(chr15:22770422-23082442)x1

Genes: CYFIP1 (cytoplasmic FMR1 interacting protein 1; minus strand), NIPA1 (NIPA magnesium transporter 1; plus strand), NIPA2 (NIPA magnesium transporter 2; plus strand), TUBGCP5 (tubulin gamma complex component 5; minus strand). Cytogenetic location: 15q11.2.
Variant type: copy number loss.
Change: copy number 1 (one copy instead of two) of chr15:22,770,422-23,082,442 (312.0 kb, GRCh37 coordinates, 1-based), cytogenetic band 15q11.2.
Identifiers: ClinVar variation 1808466 (VCV001808466.1).

ClinVar aggregate classification (germline): Pathogenic (1 of 4 stars; one submission).

Submission:

Quest Diagnostics Nichols Institute San Juan Capistrano
Classification: Pathogenic. Last evaluated: 2024-06-13. Review status: criteria provided, single submitter. Criteria: ACMG/ClinGen CNV Guidelines, 2019. Collection method: clinical testing. Allele origin: unknown.
Comment: This copy number loss is associated with the recurrent 15q11.2 (BP1-BP2) deletion syndrome (OMIM 615656). The 15q11.2 (including NIPA1 and NIPA2 locus) region has previously been reported in association with highly variable clinical phenotypes (Butler 2017, ENIGMA-CNV Working Group 2020, Jonch 2019, Kendall 2019, Stefansson 2014, Coe 2014) including a subclinical, but measurable effect on neurocognitive function. Currently, this copy number loss is best described as a susceptibility locus and is classified as pathogenic. References: Butler, J Intellect Disabil Res. 2017 Jun;61(6):568-579. PMID: 28387067; Coe et al., Nat Genet. 2014 Oct;46(10):1063-71., PMID: 25217958; ENIGMA-CNV Working Group, JAMA Psychiatry. 2020 Apr 1;77(4):420-430. PMID: 31665216; Jonch et al., J Med Genet. 2019 Oct;56(10):701-710. PMID: 31451536; Kendall et al., Br J Psychiatry. 2019 May;214(5):297-304. PMID: 30767844; Stefansson et al., Nature. 2014 Jan 16;505(7483):361-6. PMID: 24352232